The following is an entry in ClinVar:

NM_000260.4(MYO7A):c.5329G>A (p.Val1777Met)

Gene: MYO7A (myosin VIIA; plus strand). Cytogenetic location: 11q13.5.
Variant type: single nucleotide variant.
Coding change: c.5329G>A on transcript NM_000260.4 (MANE Select); coding-DNA position 5329, G replaced by A.
Protein change: p.Val1777Met; replaces valine 1777 with methionine.
Molecular consequence: missense variant.
Genome position (GRCh38, 1-based): chr11:77,204,078, G>A. VCF-style: chr11-77204078-G-A. GRCh37 (hg19) VCF-style: chr11-76915123-G-A.
Other names: c.5215G>A, p.Val1739Met (NM_001127180.2); c.5182G>A, p.Val1728Met (NM_001369365.1); short protein forms V1728M, V1739M, V1777M.
Identifiers: ClinVar variation 1314170 (VCV001314170.2), dbSNP rs1420037072, ClinGen allele CA381952497.

ClinVar aggregate classification (germline): Uncertain significance (1 of 4 stars; one submission).

Allele frequency attached by ClinVar (database versions not stated): gnomAD exomes below 0.00001.
gnomAD v4.1: 1 of 1,599,850 alleles (0.000063%); highest among the groups gnomAD compares: Non-Finnish European, 0.000085%; no homozygotes.

Submission:

GeneDx
Classification: Uncertain significance. Last evaluated: 2021-03-10. Review status: criteria provided, single submitter. Criteria: GeneDx Variant Classification Process June 2021. Collection method: clinical testing. Allele origin: germline. Affected: yes.
Comment: In silico analysis supports that this missense variant does not alter protein structure/function; In-silico analysis, which includes splice predictors and evolutionary conservation, is inconclusive as to whether the variant alters gene splicing. In the absence of RNA/functional studies, the actual effect of this sequence change is unknown.; Has not been previously published as pathogenic or benign to our knowledge